The following is an entry in ClinVar:

ClinVar aggregate classification (germline): Uncertain significance (1 of 4 stars; one submission).

Allele frequency attached by ClinVar (database versions not stated): TOPMed below 0.00001; gnomAD 0.00001; ExAC 0.00002.
gnomAD v4.1: 16 of 1,608,794 alleles (0.00099%); highest among the groups gnomAD compares: Non-Finnish European, 0.0012%; no homozygotes.

Submission:

Labcorp Genetics (formerly Invitae), Labcorp
Classification: Uncertain significance. Last evaluated: 2023-09-24. Review status: criteria provided, single submitter. Criteria: Invitae Variant Classification Sherloc (09022015). Collection method: clinical testing. Allele origin: germline.
Comment: This sequence change replaces glutamic acid, which is acidic and polar, with lysine, which is basic and polar, at codon 503 of the ERBB2 protein (p.Glu503Lys). The frequency data for this variant in the population databases is considered unreliable, as metrics indicate poor data quality at this position in the gnomAD database. This variant has not been reported in the literature in individuals affected with ERBB2-related conditions. ClinVar contains an entry for this variant (Variation ID: 2172598). Advanced modeling of protein sequence and biophysical properties (such as structural, functional, and spatial information, amino acid conservation, physicochemical variation, residue mobility, and thermodynamic stability) performed at Invitae indicates that this missense variant is not expected to disrupt ERBB2 protein function. In summary, the available evidence is currently insufficient to determine the role of this variant in disease. Therefore, it has been classified as a Variant of Uncertain Significance.

NM_004448.4(ERBB2):c.1507G>A (p.Glu503Lys)

Gene: ERBB2 (erb-b2 receptor tyrosine kinase 2; plus strand). Cytogenetic location: 17q12.
Variant type: single nucleotide variant.
Coding change: c.1507G>A on transcript NM_004448.4 (MANE Select); coding-DNA position 1507, G replaced by A.
Protein change: p.Glu503Lys; replaces glutamic acid 503 with lysine.
Molecular consequence: missense variant. On other transcripts: non-coding transcript variant (1), intron variant (1).
Genome position (GRCh38, 1-based): chr17:39,715,933, G>A. VCF-style: chr17-39715933-G-A. GRCh37 (hg19) VCF-style: chr17-37872186-G-A.
Other names: c.1507G>A, p.Glu503Lys (NM_001382792.1, NM_001382793.1, NM_001382794.1 and 12 more transcripts); c.1327G>A, p.Glu443Lys (NM_001382799.1); c.1417G>A, p.Glu473Lys (NM_001005862.3, NM_001289938.2, NM_001382782.1 and 1 more transcripts); c.1462G>A, p.Glu488Lys (NM_001289936.2); c.1624G>A, p.Glu542Lys (NM_001382784.1, NM_001382786.1); c.1582G>A, p.Glu528Lys (NM_001382787.1); c.1528G>A, p.Glu510Lys (NM_001382789.1); c.1498G>A, p.Glu500Lys (NM_001382791.1); and 3 more; short protein forms E227K, E500K, E542K, E417K, E488K, E510K, E443K, E473K.
Identifiers: ClinVar variation 2172598 (VCV002172598.4), dbSNP rs758497995, ClinGen allele CA8533999.